The following is an entry in ClinVar:

ClinVar aggregate classification (germline): Uncertain significance (1 of 4 stars; one submission).

Conditions:
Transcobalamin II deficiency (TCN2D). Also called: Transcolabamin II deficiency; TC II DEFICIENCY; TCN2 DEFICIENCY. Identifiers: Orphanet 859, MedGen C0342701, MONDO:0010149, OMIM 275350.

Allele frequency attached by ClinVar (database versions not stated): ExAC 0.00002; gnomAD exomes 0.00002; gnomAD 0.00004; TOPMed 0.00004.
gnomAD v4.1: 15 of 1,614,048 alleles (0.00093%); highest among the groups gnomAD compares: Admixed American, 0.01%; no homozygotes.

Submission:

Labcorp Genetics (formerly Invitae), Labcorp
Classification: Uncertain significance for Transcobalamin II deficiency. Last evaluated: 2025-01-27. Review status: criteria provided, single submitter. Criteria: Invitae Variant Classification Sherloc (09022015). Collection method: clinical testing. Allele origin: germline.
Comment: This sequence change replaces leucine, which is neutral and non-polar, with valine, which is neutral and non-polar, at codon 17 of the TCN2 protein (p.Leu17Val). This variant is present in population databases (rs759462885, gnomAD 0.01%). This variant has not been reported in the literature in individuals affected with TCN2-related conditions. ClinVar contains an entry for this variant (Variation ID: 1424570). An algorithm developed to predict the effect of missense changes on protein structure and function (PolyPhen-2) suggests that this variant is likely to be disruptive. In summary, the available evidence is currently insufficient to determine the role of this variant in disease. Therefore, it has been classified as a Variant of Uncertain Significance.

NM_000355.4(TCN2):c.49C>G (p.Leu17Val)

Genes: TCN2 (transcobalamin 2; plus strand), LOC121853040 (Sharpr-MPRA regulatory region 10016; plus strand). Cytogenetic location: 22q12.2.
Variant type: single nucleotide variant.
Coding change: c.49C>G on transcript NM_000355.4 (MANE Select); coding-DNA position 49, C replaced by G.
Protein change: p.Leu17Val; replaces leucine 17 with valine.
Molecular consequence: missense variant.
Genome position (GRCh38, 1-based): chr22:30,607,380, C>G. VCF-style: chr22-30607380-C-G. GRCh37 (hg19) VCF-style: chr22-31003367-C-G.
Other names: c.49C>G, p.Leu17Val (NM_001184726.2); short protein forms L17V.
Identifiers: ClinVar variation 1424570 (VCV001424570.4), dbSNP rs759462885, ClinGen allele CA10184436.